The following is an entry in ClinVar:

ClinVar aggregate classification (germline): Uncertain significance (1 of 4 stars; one submission).

Conditions:
Amyotrophic lateral sclerosis type 8 (ALS8). Identifiers: Orphanet 803, MedGen C1837728, MONDO:0012077, OMIM 608627.
Adult-onset proximal spinal muscular atrophy, autosomal dominant. Also called: Spinal muscular atrophy, late-onset, finkel type; FINKEL LATE-ADULT TYPE SMA. Identifiers: Orphanet 209335, MedGen C1854058, MONDO:0008453, OMIM 182980.

Submission:

Labcorp Genetics (formerly Invitae), Labcorp
Classification: Uncertain significance for Adult-onset proximal spinal muscular atrophy, autosomal dominant; Amyotrophic lateral sclerosis type 8. Last evaluated: 2023-04-12. Review status: criteria provided, single submitter. Criteria: Invitae Variant Classification Sherloc (09022015). Collection method: clinical testing. Allele origin: germline.
Comment: In summary, the available evidence is currently insufficient to determine the role of this variant in disease. Therefore, it has been classified as a Variant of Uncertain Significance. An algorithm developed to predict the effect of missense changes on protein structure and function (PolyPhen-2) suggests that this variant is likely to be tolerated. This variant has not been reported in the literature in individuals affected with VAPB-related conditions. This variant is not present in population databases (gnomAD no frequency). This sequence change replaces glutamine, which is neutral and polar, with glutamic acid, which is acidic and polar, at codon 6 of the VAPB protein (p.Gln6Glu).

NM_004738.5(VAPB):c.16C>G (p.Gln6Glu)

Gene: VAPB (VAMP associated protein B and C; plus strand). Cytogenetic location: 20q13.32.
Variant type: single nucleotide variant.
Coding change: c.16C>G on transcript NM_004738.5 (MANE Select); coding-DNA position 16, C replaced by G.
Protein change: p.Gln6Glu; replaces glutamine 6 with glutamic acid.
Molecular consequence: missense variant. On other transcripts: non-coding transcript variant (1).
Genome position (GRCh38, 1-based): chr20:58,389,475, C>G. VCF-style: chr20-58389475-C-G. GRCh37 (hg19) VCF-style: chr20-56964531-C-G.
Other names: c.16C>G, p.Gln6Glu (NM_001195677.2); short protein forms Q6E.
Identifiers: ClinVar variation 2941058 (VCV002941058.3), dbSNP rs770013348, ClinGen allele CA409439931.